The following is an entry in ClinVar:

NM_002024.6(FMR1):c.1655-2A>G

Gene: FMR1 (fragile X messenger ribonucleoprotein 1; plus strand). Cytogenetic location: Xq27.3.
Variant type: single nucleotide variant.
Coding change: c.1655-2A>G on transcript NM_002024.6 (MANE Select); the canonical splice acceptor site of the intron before coding-DNA position 1655, A replaced by G.
Molecular consequence: splice acceptor variant.
Genome position (GRCh38, 1-based): chrX:147,945,532, A>G. VCF-style: chrX-147945532-A-G. GRCh37 (hg19) VCF-style: chrX-147027052-A-G.
Other names: c.1655-2A>G (NM_002024.5); c.1384-2A>G (NM_001185075.2); c.1592-2A>G (NM_001185076.2); c.1517-2A>G (NM_001185082.2); c.1321-2A>G (NM_001185081.2).
Identifiers: ClinVar variation 1690568 (VCV001690568.4), dbSNP rs782325167, ClinGen allele CA10536367.
Genomic context (GRCh38, chrX:147,945,532, plus strand): 5'-AGAACTTCCAGTAAGCATTTCAGAATCAGTAACTGTTGAACCTTTTGAAAATATTCTCAT[A>G]GGAAACGACGATCACTCCCGAACAGATAATCGTCCACGTAATCCAAGAGAGGCTAAAGGA-3'

ClinVar aggregate classification (germline): Conflicting classifications of pathogenicity. Review status: criteria provided, conflicting classifications (1 of 4 stars). 2 submissions from 2 submitters: Uncertain significance (1); Benign (1). Last evaluated 2022-03-08.

Conditions:
Inborn genetic diseases. Identifiers: MedGen C0950123, MeSH D030342.

Allele frequency attached by ClinVar (database versions not stated): gnomAD exomes below 0.00001 and 0.00001; ExAC 0.00001; gnomAD 0.00010 and 0.00011; TOPMed 0.00010.
gnomAD v4.1: 16 of 1,201,434 alleles (0.0013%); highest among the groups gnomAD compares: African/African-American, 0.026%; no homozygotes.

Submissions (2):

Laboratorio de Genetica e Diagnostico Molecular, Hospital Israelita Albert Einstein
Classification: Benign. Last evaluated: 2022-03-08. Review status: criteria provided, single submitter. Criteria: ACMG Guidelines, 2015. Collection method: clinical testing. Allele origin: germline. Affected: yes.
Comment: ACMG classification criteria: BS1, BS2

Ambry Genetics
Classification: Uncertain significance for Inborn genetic diseases. Last evaluated: 2017-11-03. Review status: criteria provided, single submitter. Criteria: Ambry Variant Classification Scheme 2023. Collection method: clinical testing. Allele origin: germline.
Comment: The c.1655-2A>G intronic variant results from an A to G substitution two nucleotides upstream from coding exon 16 in the FMR1 gene. This nucleotide position is highly conserved in available vertebrate species. Using the BDGP and ESEfinder splice site prediction tools, this alteration is predicted to abolish the native splice acceptor site; however, direct evidence is unavailable. Alterations that disrupt the canonical splice site are expected to cause aberrant splicing, resulting in an abnormal protein or a transcript that is subject to nonsense-mediated mRNA decay. However, the G allele has been observed in three African males in gnomAD. Since supporting evidence is conflicting at this time, the clinical significance of this alteration remains unclear.